The following is an entry in ClinVar:

ClinVar aggregate classification (germline): Uncertain significance (1 of 4 stars; one submission).

Conditions:
Neurofibromatosis, type 1 (NF1). Also called: Peripheral type neurofibromatosis; VON RECKLINGHAUSEN DISEASE; NEUROFIBROMATOSIS, TYPE I, SOMATIC; Neurofibromatosis, type I. Identifiers: Orphanet 636, MedGen C0027831, MONDO:0018975, OMIM 162200. Disease mechanism: loss of function.

Submission:

Labcorp Genetics (formerly Invitae), Labcorp
Classification: Uncertain significance for Neurofibromatosis, type 1. Last evaluated: 2024-05-13. Review status: criteria provided, single submitter. Criteria: Invitae Variant Classification Sherloc (09022015). Collection method: clinical testing. Allele origin: germline.
Comment: This sequence change falls in intron 26 of the NF1 gene. It does not directly change the encoded amino acid sequence of the NF1 protein. It affects a nucleotide within the consensus splice site. This variant is not present in population databases (gnomAD no frequency). This variant has not been reported in the literature in individuals affected with NF1-related conditions. Variants that disrupt the consensus splice site are a relatively common cause of aberrant splicing (PMID: 17576681, 9536098). Studies have shown that this variant is associated with inconclusive levels of altered splicing (Invitae). In summary, the available evidence is currently insufficient to determine the role of this variant in disease. Therefore, it has been classified as a Variant of Uncertain Significance.

Literature cited by the submitters: PubMed 17576681; PubMed 9536098.

NM_001042492.3(NF1):c.3496+3G>C

Gene: NF1 (neurofibromin 1; plus strand). Cytogenetic location: 17q11.2.
Variant type: single nucleotide variant.
Coding change: c.3496+3G>C on transcript NM_001042492.3 (MANE Select); 3 bases into the intron after coding-DNA position 3496, G replaced by C.
Molecular consequence: intron variant.
Genome position (GRCh38, 1-based): chr17:31,232,884, G>C. VCF-style: chr17-31232884-G-C. GRCh37 (hg19) VCF-style: chr17-29559902-G-C.
Other names: c.3496+3G>C (NM_000267.4).
Identifiers: ClinVar variation 2712865 (VCV002712865.3), dbSNP rs1060500287, ClinGen allele CA2697559796.
Genomic context (GRCh38, chr17:31,232,884, plus strand): 5'-CTTGCAATGTCAAACTTACTCAATGCCAACGTAGACAGTGGTCTCATGCACTCCATAGGT[G>C]AGATCAAATGAAAGTTTCATATAGAAATACAAAACCTAGAGAACTGGCATGTAAGAGAAG-3'